The following is an entry in ClinVar:

NM_006096.4(NDRG1):c.*866A>T

Gene: NDRG1 (N-myc downstream regulated 1; minus strand). Cytogenetic location: 8q24.22.
Variant type: single nucleotide variant.
Coding change: c.*866A>T on transcript NM_006096.4 (MANE Select); 866 bases downstream of the stop codon, A replaced by T.
Molecular consequence: 3 prime UTR variant.
Genome position (GRCh38, 1-based): chr8:133,238,012, T>A on the plus strand (A>T on the coding strand, the complement: NDRG1 is on the minus strand). VCF-style: chr8-133238012-T-A. GRCh37 (hg19) VCF-style: chr8-134250255-T-A.
Other names: NC_000008.10:g.134250255T>A; c.*866A>T (NM_001135242.2, NM_001258432.2, NM_001258433.2 and 4 more transcripts).
Identifiers: ClinVar variation 362016 (VCV000362016.6), dbSNP rs16904865, ClinGen allele CA10627203.
Genomic context (GRCh38, chr8:133,238,012, plus strand): 5'-CTGCAAGGACACTCATCACAGCCAGGGCAGCTGTGGAATGTTGCCCTCCATTCTAAGGAA[T>A]GCAAAACAAATCTAAATGATCTTCTCCCTGAACAAGAATAATCACTGGCTCATGTATCAG-3'

ClinVar aggregate classification (germline): Benign (1 of 4 stars; one submission).

Conditions:
Charcot-Marie-Tooth disease type 4D. Also called: CHARCOT-MARIE-TOOTH DISEASE, DEMYELINATING, AUTOSOMAL RECESSIVE, TYPE 4D; NEUROPATHY, HEREDITARY MOTOR AND SENSORY, LOM TYPE; Charcot-Marie-Tooth Neuropathy Type 4D; CHARCOT-MARIE-TOOTH DISEASE, DEMYELINATING, TYPE 4D. Identifiers: Orphanet 99950, MedGen C1832334, MONDO:0011085, OMIM 601455.

Allele frequency attached by ClinVar (database versions not stated): 1000 Genomes Project 30x 0.01999; 1000 Genomes Project 0.02057; TOPMed 0.02508; gnomAD 0.03230.
gnomAD v4.1: 5,428 of 233,114 alleles (2.3%); highest among the groups gnomAD compares: African/African-American, 5%; 113 homozygotes.

Submissions (5):

Illumina Laboratory Services, Illumina
Classification: Benign for Charcot-Marie-Tooth disease type 4D. Last evaluated: 2018-01-12. Review status: criteria provided, single submitter. Criteria: ICSL Variant Classification Criteria 13 December 2019. Collection method: clinical testing. Allele origin: germline.
Comment: This variant was observed in the ICSL laboratory as part of a predisposition screen in an ostensibly healthy population. It had not been previously curated by ICSL or reported in the Human Gene Mutation Database (HGMD: prior to June 1st, 2018), and was therefore a candidate for classification through an automated scoring system. Utilizing variant allele frequency, disease prevalence and penetrance estimates, and inheritance mode, an automated score was calculated to assess if this variant is too frequent to cause the disease. Based on the score and internal cut-off values, a variant classified as benign is not then subjected to further curation. The score for this variant resulted in a classification of benign for this disease.

Dr. Peter K. Rogan Lab, Western University
No classification provided (evidence only). Condition: Ovarian serous cystadenocarcinoma. Review status: no classification provided. Collection method: in vitro. Allele origin: not applicable. Functional consequence: retained intron. Not counted in ClinVar's aggregate classification.

Dr. Peter K. Rogan Lab, Western University
No classification provided (evidence only). Condition: Ovarian serous cystadenocarcinoma. Review status: no classification provided. Collection method: in vitro. Allele origin: not applicable. Functional consequence: retained intron. Not counted in ClinVar's aggregate classification.

Dr. Peter K. Rogan Lab, Western University
No classification provided (evidence only). Condition: Lymphoma. Review status: no classification provided. Collection method: in vitro. Allele origin: not applicable. Functional consequence: retained intron. Not counted in ClinVar's aggregate classification.

Dr. Peter K. Rogan Lab, Western University
No classification provided (evidence only). Condition: Ovarian cancer. Review status: no classification provided. Collection method: in vitro. Allele origin: not applicable. Functional consequence: retained intron. Not counted in ClinVar's aggregate classification.